The following is an entry in ClinVar:

ClinVar aggregate classification (germline): Pathogenic (1 of 4 stars; one submission).

Submission:

Labcorp Genetics (formerly Invitae), Labcorp
Classification: Pathogenic. Last evaluated: 2022-10-14. Review status: criteria provided, single submitter. Criteria: Invitae Variant Classification Sherloc (09022015). Collection method: clinical testing. Allele origin: germline.
Comment: This sequence change creates a premature translational stop signal (p.Gly187Glufs*346) in the COL9A3 gene. It is expected to result in an absent or disrupted protein product. Loss-of-function variants in COL9A3 are known to be pathogenic (PMID: 24273071, 31090205). This variant is not present in population databases (gnomAD no frequency). For these reasons, this variant has been classified as Pathogenic. This variant has not been reported in the literature in individuals affected with COL9A3-related conditions.

Literature cited by the submitters: PubMed 24273071; PubMed 31090205.

NM_001853.4(COL9A3):c.558del (p.Gly187fs)

Gene: COL9A3 (collagen type IX alpha 3 chain; plus strand). Cytogenetic location: 20q13.33.
Variant type: Deletion.
Coding change: c.558del on transcript NM_001853.4 (MANE Select); coding-DNA position 558, one base deleted (T; older notation c.558delT).
Protein change: p.Gly187fs; shifts the reading frame from glycine 187.
Molecular consequence: frameshift variant.
Genome position (GRCh38, 1-based): chr20:62,824,483, T deleted. VCF-style (leftmost placement, unchanged base first): chr20-62824482-CT-C. GRCh37 (hg19) VCF-style: chr20-61455834-CT-C.
Other names: short protein forms G187fs.
Identifiers: ClinVar variation 2035601 (VCV002035601.4), dbSNP rs2516037509, ClinGen allele CA2580098626.